The following is an entry in ClinVar:

NM_000088.4(COL1A1):c.3244G>A (p.Gly1082Ser)

Gene: COL1A1 (collagen type I alpha 1 chain; minus strand). Cytogenetic location: 17q21.33.
Variant type: single nucleotide variant.
Coding change: c.3244G>A on transcript NM_000088.4 (MANE Select); coding-DNA position 3244, G replaced by A.
Protein change: p.Gly1082Ser; replaces glycine 1082 with serine.
Molecular consequence: missense variant.
Genome position (GRCh38, 1-based): chr17:50,188,113, C>T on the plus strand (G>A on the coding strand, the complement: COL1A1 is on the minus strand). VCF-style: chr17-50188113-C-T. GRCh37 (hg19) VCF-style: chr17-48265474-C-T.
Other names: short protein forms G1082S.
Identifiers: ClinVar variation 3912061 (VCV003912061.1).

ClinVar aggregate classification (germline): Pathogenic (1 of 4 stars; one submission).

Conditions:
Osteogenesis imperfecta type I (OI1). Also called: OI, TYPE I; OSTEOGENESIS IMPERFECTA TARDA; OSTEOGENESIS IMPERFECTA WITH BLUE SCLERAE; Osteogenesis imperfecta type 1; Classic Non-deforming Osteogenesis Imperfecta with Blue Sclerae; Lobstein's Disease. Identifiers: Orphanet 216796, Orphanet 666, MedGen C0023931, MONDO:0008146, OMIM 166200. Disease mechanism: loss of function.

Submission:

Clinical Biomedical Laboratory, Shriners Hospital For Children - Canada
Classification: Pathogenic for Osteogenesis imperfecta type I. Last evaluated: 2025-06-18. Review status: criteria provided, single submitter. Criteria: ACMG Guidelines, 2015. Collection method: clinical testing. Allele origin: germline. Affected: yes.
Comment: This variant is predicted to substitute a glycine residue by a serine residue in the triple helical domain of the collagen type I alpha1 chain. glycine substitutions in the triple helical domain of collagen type I cause disruption in the formation of the triple helix in the collagen molecule and are a typical cause of osteogenesis imperfecta (PMID 27509835). In the Genome Aggregation Database (gnomAD v2.1.1) this variant is not present. Computational tools (Revel 0.99) suggest that the amino acid change is damaging to protein function.

Literature cited by the submitters: PubMed 27509835.